The following is an entry in ClinVar:

NM_206933.4(USH2A):c.4141T>A (p.Ser1381Thr)

Genes: USH2A (usherin; minus strand), USH2A-AS1 (USH2A antisense RNA 1; plus strand). Cytogenetic location: 1q41.
Variant type: single nucleotide variant.
Coding change: c.4141T>A on transcript NM_206933.4 (MANE Select); coding-DNA position 4141, T replaced by A.
Protein change: p.Ser1381Thr; replaces serine 1381 with threonine.
Molecular consequence: missense variant.
Genome position (GRCh38, 1-based): chr1:216,196,663, A>T on the plus strand (T>A on the coding strand, the complement: USH2A is on the minus strand). VCF-style: chr1-216196663-A-T. GRCh37 (hg19) VCF-style: chr1-216370005-A-T.
Other names: c.4141T>A, p.Ser1381Thr (NM_007123.6); short protein forms S1381T.
Identifiers: ClinVar variation 2202967 (VCV002202967.4), dbSNP rs2528035788, ClinGen allele CA344866539.

ClinVar aggregate classification (germline): Uncertain significance (1 of 4 stars; one submission).

Allele frequency attached by ClinVar (database versions not stated): gnomAD exomes 0.00001.
gnomAD v4.1: 7 of 1,613,516 alleles (0.00043%); highest among the groups gnomAD compares: Non-Finnish European, 0.00059%; no homozygotes.

Submission:

Labcorp Genetics (formerly Invitae), Labcorp
Classification: Uncertain significance. Last evaluated: 2022-10-19. Review status: criteria provided, single submitter. Criteria: Invitae Variant Classification Sherloc (09022015). Collection method: clinical testing. Allele origin: germline.
Comment: In summary, the available evidence is currently insufficient to determine the role of this variant in disease. Therefore, it has been classified as a Variant of Uncertain Significance. Advanced modeling of protein sequence and biophysical properties (such as structural, functional, and spatial information, amino acid conservation, physicochemical variation, residue mobility, and thermodynamic stability) performed at Invitae indicates that this missense variant is not expected to disrupt USH2A protein function. This missense change has been observed in individual(s) with USH2A-related conditions (PMID: 26927203). This variant is not present in population databases (gnomAD no frequency). This sequence change replaces serine, which is neutral and polar, with threonine, which is neutral and polar, at codon 1381 of the USH2A protein (p.Ser1381Thr).

Literature cited by the submitters: PubMed 26927203.